The following is an entry in ClinVar:

NM_001365276.2(TNXB):c.5906C>T (p.Pro1969Leu)

Gene: TNXB (tenascin XB; minus strand). Cytogenetic location: 6p21.33.
Variant type: single nucleotide variant.
Coding change: c.5906C>T on transcript NM_001365276.2 (MANE Select); coding-DNA position 5906, C replaced by T.
Protein change: p.Pro1969Leu; replaces proline 1969 with leucine.
Molecular consequence: missense variant.
Genome position (GRCh38, 1-based): chr6:32,068,704, G>A on the plus strand (C>T on the coding strand, the complement: TNXB is on the minus strand). VCF-style: chr6-32068704-G-A. GRCh37 (hg19) VCF-style: chr6-32036481-G-A.
Other names: c.6647C>T, p.Pro2216Leu (NM_001428335.1); c.5906C>T, p.Pro1969Leu (NM_019105.8); short protein forms P2216L, P1969L.
Identifiers: ClinVar variation 3180926 (VCV003180926.2), dbSNP rs773297077, ClinGen allele CA3734575.

ClinVar aggregate classification (germline): Uncertain significance (1 of 4 stars; one submission).

Conditions:
Cardiovascular phenotype. Identifiers: MedGen CN230736.

Allele frequency attached by ClinVar (database versions not stated): TOPMed below 0.00001; ExAC 0.00001; gnomAD 0.00001.
gnomAD v4.1: 7 of 1,612,878 alleles (0.00043%); highest among the groups gnomAD compares: Admixed American, 0.0017%; no homozygotes.

Submission:

Ambry Genetics
Classification: Uncertain significance for Cardiovascular phenotype. Last evaluated: 2024-08-19. Review status: criteria provided, single submitter. Criteria: Ambry Variant Classification Scheme 2023. Collection method: clinical testing. Allele origin: germline.
Comment: The p.P1969L variant (also known as c.5906C>T), located in coding exon 16 of the TNXB gene, results from a C to T substitution at nucleotide position 5906. The proline at codon 1969 is replaced by leucine, an amino acid with similar properties. This amino acid position is conserved. In addition, this alteration is predicted to be tolerated by in silico analysis. Based on the available evidence, the clinical significance of this variant remains unclear.